The following is an entry in ClinVar:

NM_001174089.2(SLC4A11):c.1658C>A (p.Ser553Ter)

Gene: SLC4A11 (solute carrier family 4 member 11; minus strand). Cytogenetic location: 20p13.
Variant type: single nucleotide variant.
Coding change: c.1658C>A on transcript NM_001174089.2 (MANE Select); coding-DNA position 1658, C replaced by A.
Protein change: p.Ser553Ter; replaces serine 553 with a stop codon.
Molecular consequence: nonsense. On other transcripts: non-coding transcript variant (1).
Genome position (GRCh38, 1-based): chr20:3,229,608, G>T on the plus strand (C>A on the coding strand, the complement: SLC4A11 is on the minus strand). VCF-style: chr20-3229608-G-T. GRCh37 (hg19) VCF-style: chr20-3210254-G-T.
Other names: c.1787C>A, p.Ser596Ter (NM_001174090.2); c.1544C>A, p.Ser515Ter (NM_001363745.2); c.1706C>A, p.Ser569Ter (NM_032034.4); short protein forms S515*, S553*, S569*, S596*.
Identifiers: ClinVar variation 1184523 (VCV001184523.8), dbSNP rs1311747266, ClinGen allele CA408087990.

ClinVar aggregate classification (germline): Pathogenic. Review status: criteria provided, single submitter (1 of 4 stars). 2 submissions from 2 submitters: Pathogenic (1). 1 of the submissions does not count toward it. Last evaluated 2023-08-20.

Conditions:
Corneal dystrophy-perceptive deafness syndrome (CDPD). Also called: CORNEAL DYSTROPHY AND SENSORINEURAL DEAFNESS; HARBOYAN SYNDROME. Identifiers: Orphanet 1490, MedGen C1857572, MONDO:0009015, OMIM 217400.

Allele frequency attached by ClinVar (database versions not stated): gnomAD exomes below 0.00001.

Submissions (2):

Labcorp Genetics (formerly Invitae), Labcorp
Classification: Pathogenic. Last evaluated: 2023-08-20. Review status: criteria provided, single submitter. Criteria: Invitae Variant Classification Sherloc (09022015). Collection method: clinical testing. Allele origin: germline.
Comment: For these reasons, this variant has been classified as Pathogenic. ClinVar contains an entry for this variant (Variation ID: 1184523). This variant has not been reported in the literature in individuals affected with SLC4A11-related conditions. This variant is present in population databases (no rsID available, gnomAD 0.0009%). This sequence change creates a premature translational stop signal (p.Ser569*) in the SLC4A11 gene. It is expected to result in an absent or disrupted protein product. Loss-of-function variants in SLC4A11 are known to be pathogenic (PMID: 17220209, 17679935).

Genomics England Pilot Project, Genomics England
Classification: Pathogenic for Corneal dystrophy-perceptive deafness syndrome. Review status: no assertion criteria provided. Criteria: ACGS Guidelines, 2016. Collection method: clinical testing. Allele origin: germline. Affected: yes. Not counted in ClinVar's aggregate classification.

Literature cited by the submitters: PubMed 17220209 (cited by Labcorp Genetics (formerly Invitae), Labcorp); PubMed 17679935 (cited by Labcorp Genetics (formerly Invitae), Labcorp).